The following is an entry in ClinVar:

ClinVar aggregate classification (germline): Conflicting classifications of pathogenicity. Review status: criteria provided, conflicting classifications (1 of 4 stars). 2 submissions from 2 submitters: Likely pathogenic (1); Uncertain significance (1). Last evaluated 2024-02-07.

Allele frequency attached by ClinVar (database versions not stated): gnomAD exomes 0.00001; TOPMed 0.00006; gnomAD 0.00007.
gnomAD v4.1: 18 of 1,613,224 alleles (0.0011%); highest among the groups gnomAD compares: Admixed American, 0.022%; no homozygotes.

Submissions (3):

GeneDx
Classification: Uncertain significance. Last evaluated: 2024-02-07. Review status: criteria provided, single submitter. Criteria: GeneDx Variant Classification Process June 2021. Collection method: clinical testing. Allele origin: germline. Affected: yes.
Comment: Identified in the heterozygous state in a patient with nonsyndromic cleft lip/palate in published literature, but it is unknown whether this individual was screened for variants in other genes associated with cleft lip/palate (PMID: 19715471); Canonical splice site variant in a gene or region of a gene for which loss of function is not a well-established mechanism of disease; This variant is associated with the following publications: (PMID: 25525159, 22978696, 19715471)

Labcorp Genetics (formerly Invitae), Labcorp
Classification: Likely pathogenic. Last evaluated: 2022-09-19. Review status: criteria provided, single submitter. Criteria: Invitae Variant Classification Sherloc (09022015). Collection method: clinical testing. Allele origin: germline.
Comment: In summary, the currently available evidence indicates that the variant is pathogenic, but additional data are needed to prove that conclusively. Therefore, this variant has been classified as Likely Pathogenic. Algorithms developed to predict the effect of sequence changes on RNA splicing suggest that this variant may disrupt the consensus splice site. This variant is also known as IVS4+1G>A in PVRL1. Disruption of this splice site has been observed in individual(s) with nonsyndromic cleft lip with or without cleft palate (PMID: 19715471). This variant is present in population databases (no rsID available, gnomAD 0.009%). This sequence change affects a donor splice site in intron 4 of the NECTIN1 gene. It is expected to disrupt RNA splicing. Variants that disrupt the donor or acceptor splice site typically lead to a loss of protein function (PMID: 16199547), and loss-of-function variants in NECTIN1 are known to be pathogenic (PMID: 10932188, 25913853).

Dr. Peter K. Rogan Lab, Western University
No classification provided (evidence only). Condition: Malignant tumor of urinary bladder. Review status: no classification provided. Collection method: in vitro. Allele origin: not applicable. Functional consequence: retained intron. Not counted in ClinVar's aggregate classification.

Literature cited by the submitters: PubMed 19715471 (cited by Labcorp Genetics (formerly Invitae), Labcorp); PubMed 16199547 (cited by Labcorp Genetics (formerly Invitae), Labcorp); PubMed 10932188 (cited by Labcorp Genetics (formerly Invitae), Labcorp); PubMed 25913853 (cited by Labcorp Genetics (formerly Invitae), Labcorp).

NM_002855.5(NECTIN1):c.851+1G>A

Gene: NECTIN1 (nectin cell adhesion molecule 1; minus strand). Cytogenetic location: 11q23.3.
Variant type: single nucleotide variant.
Coding change: c.851+1G>A on transcript NM_002855.5 (MANE Select); the canonical splice donor site of the intron after coding-DNA position 851, G replaced by A.
Molecular consequence: splice donor variant.
Genome position (GRCh38, 1-based): chr11:119,677,101, C>T on the plus strand (G>A on the coding strand, the complement: NECTIN1 is on the minus strand). VCF-style: chr11-119677101-C-T. GRCh37 (hg19) VCF-style: chr11-119547811-C-T.
Other names: c.851+1G>A (NM_203285.2, NM_203286.2).
Identifiers: ClinVar variation 2137270 (VCV002137270.6), dbSNP rs889179187, ClinGen allele CA229369612.